The following is an entry in ClinVar:

ClinVar aggregate classification (germline): Uncertain significance. Review status: criteria provided, single submitter (1 of 4 stars). 2 submissions from 2 submitters: Uncertain significance (1). 1 of the submissions does not count toward it. Last evaluated 2024-01-20.

Conditions:
Bardet-Biedl syndrome 12 (BBS12). Identifiers: Orphanet 110, MedGen C1859570, MONDO:0014440, OMIM 615989.
BBS12-related disorder. Also called: BBS12-related condition.

gnomAD v4.1: 18 of 1,614,042 alleles (0.0011%); highest among the groups gnomAD compares: Non-Finnish European, 0.0014%; no homozygotes.

Submissions (2):

Fulgent Genetics
Classification: Uncertain significance for Bardet-Biedl syndrome 12. Last evaluated: 2024-01-20. Review status: criteria provided, single submitter. Criteria: ACMG Guidelines, 2015. Collection method: clinical testing. Allele origin: germline.

PreventionGenetics, part of Exact Sciences
Classification: Uncertain significance for BBS12-related condition. Last evaluated: 2023-11-16. Review status: no assertion criteria provided. Collection method: clinical testing. Allele origin: germline. Not counted in ClinVar's aggregate classification.
Comment: The BBS12 c.1631T>A variant is predicted to result in the amino acid substitution p.Phe544Tyr. To our knowledge, this variant has not been reported in the literature. This variant is reported in 0.0026% of alleles in individuals of European (Non-Finnish) descent in gnomAD. At this time, the clinical significance of this variant is uncertain due to the absence of conclusive functional and genetic evidence.

NM_152618.3(BBS12):c.1631T>A (p.Phe544Tyr)

Gene: BBS12 (Bardet-Biedl syndrome 12; plus strand). Cytogenetic location: 4q27.
Variant type: single nucleotide variant.
Coding change: c.1631T>A on transcript NM_152618.3 (MANE Select); coding-DNA position 1631, T replaced by A.
Protein change: p.Phe544Tyr; replaces phenylalanine 544 with tyrosine.
Molecular consequence: missense variant.
Genome position (GRCh38, 1-based): chr4:122,743,523, T>A. VCF-style: chr4-122743523-T-A. GRCh37 (hg19) VCF-style: chr4-123664678-T-A.
Other names: c.1631T>A, p.Phe544Tyr (NM_001178007.2); short protein forms F544Y.
Identifiers: ClinVar variation 3348427 (VCV003348427.2).